The following is an entry in ClinVar:

ClinVar aggregate classification (germline): Uncertain significance (1 of 4 stars; one submission).

Conditions:
SALL1-related disorder. Also called: SALL1-related condition.

gnomAD v4.1: 5 of 1,614,066 alleles (0.00031%); highest among the groups gnomAD compares: African/African-American, 0.004%; no homozygotes.

Submission:

PreventionGenetics, part of Exact Sciences
Classification: Uncertain significance for SALL1-related condition. Last evaluated: 2026-04-07. Review status: criteria provided, single submitter. Criteria: ACMG Guidelines, 2015. Collection method: clinical testing. Allele origin: germline.
Comment: The SALL1 c.3297C>G variant is predicted to result in the amino acid substitution p.Asp1099Glu. To our knowledge, this variant has not been reported in the literature. This variant is reported in 0.0062% of alleles in individuals of African descent in gnomAD. At this time, the clinical significance of this variant is uncertain due to the absence of conclusive functional and genetic evidence.

NM_002968.3(SALL1):c.3297C>G (p.Asp1099Glu)

Gene: SALL1 (spalt like transcription factor 1; minus strand). Cytogenetic location: 16q12.1.
Variant type: single nucleotide variant.
Coding change: c.3297C>G on transcript NM_002968.3 (MANE Select); coding-DNA position 3297, C replaced by G.
Protein change: p.Asp1099Glu; replaces aspartic acid 1099 with glutamic acid.
Molecular consequence: missense variant.
Genome position (GRCh38, 1-based): chr16:51,138,925, G>C on the plus strand (C>G on the coding strand, the complement: SALL1 is on the minus strand). VCF-style: chr16-51138925-G-C. GRCh37 (hg19) VCF-style: chr16-51172836-G-C.
Other names: c.3006C>G, p.Asp1002Glu (NM_001127892.2); short protein forms D1099E, D1002E.
Identifiers: ClinVar variation 4983641 (VCV004983641.1).